The following is an entry in ClinVar:

ClinVar aggregate classification (germline): Likely benign. Review status: criteria provided, multiple submitters, no conflicts (2 of 4 stars). 4 submissions from 4 submitters: Likely benign (4). Last evaluated 2025-12-27.

Conditions:
Diamond-Blackfan anemia. Also called: Blackfan Diamond syndrome; Aregenerative anemia chronic congenital; Red cell aplasia, pure hereditary; Congenital hypoplastic anemia; Aase syndrome. Identifiers: Orphanet 124, MedGen C1260899, MeSH D029503, MONDO:0015253, HP:0004810.

Allele frequency attached by ClinVar (database versions not stated): 1000 Genomes Project 30x 0.00016; ESP Exome Variant Server 0.00024; ExAC 0.00030; TOPMed 0.00033; gnomAD exomes 0.00036 and 0.00060; gnomAD 0.00038 and 0.00040.
gnomAD v4.1: 910 of 1,599,586 alleles (0.057%); highest among the groups gnomAD compares: Non-Finnish European, 0.074%; no homozygotes.

Submissions (4):

Labcorp Genetics (formerly Invitae), Labcorp
Classification: Likely benign. Last evaluated: 2025-12-27. Review status: criteria provided, single submitter. Criteria: Invitae Variant Classification Sherloc (09022015). Collection method: clinical testing. Allele origin: germline.

Blueprint Genetics
Classification: Likely benign. Last evaluated: 2024-08-27. Review status: criteria provided, single submitter. Criteria: ACMG Guidelines, 2015. Collection method: clinical testing. Allele origin: germline.

CeGaT Center for Human Genetics Tuebingen
Classification: Likely benign. Last evaluated: 2022-05-01. Review status: criteria provided, single submitter. Criteria: CeGaT Center For Human Genetics Tuebingen Variant Classification Criteria Version 2. Collection method: clinical testing. Allele origin: germline. Affected: yes. Observed: 1 variant allele.
Comment: RPL19: BP4, BP7

Ambry Genetics
Classification: Likely benign for Diamond-Blackfan anemia. Last evaluated: 2022-02-20. Review status: criteria provided, single submitter. Criteria: Ambry Variant Classification Scheme 2023. Collection method: clinical testing. Allele origin: germline.

NM_000981.4(RPL19):c.369G>A (p.Leu123=)

Gene: RPL19 (ribosomal protein L19; plus strand). Cytogenetic location: 17q12.
Variant type: single nucleotide variant.
Coding change: c.369G>A on transcript NM_000981.4 (MANE Select); coding-DNA position 369, G replaced by A.
Protein change: p.Leu123=; no amino-acid change (leucine 123 retained).
Molecular consequence: synonymous variant.
Genome position (GRCh38, 1-based): chr17:39,204,089, G>A. VCF-style: chr17-39204089-G-A. GRCh37 (hg19) VCF-style: chr17-37360342-G-A.
Other names: c.363G>A, p.Leu121= (NM_001330200.1).
Identifiers: ClinVar variation 1078368 (VCV001078368.36), dbSNP rs370663313, ClinGen allele CA8528925.
Genomic context (GRCh38, chr17:39,204,089, plus strand): 5'-CTCTGATCCATCACCAACCAGCATCTCTTCACTCCGTGTACCCTGCAGGTATCACAGCCT[G>A]TACCTGAAGGTGAAGGGGAATGTGTTCAAAAACAAGCGGATTCTCATGGAACACATCCAC-3'
Protein context (NP_000972.1, residues 113-133): KKIDRHMYHS[Leu123=]YLKVKGNVFK